The following is an entry in ClinVar:

NM_000122.2(ERCC3):c.464TTA[1] (p.Ile156del)

Gene: ERCC3 (ERCC excision repair 3, TFIIH core complex helicase subunit; minus strand). Cytogenetic location: 2q14.3.
Variant type: Microsatellite.
Coding change: c.464TTA[1] on transcript NM_000122.2 (MANE Select); one copy of the 3-base unit TTA starting at c.464; the reference has two copies in a row; one copy, 3 bases deleted.
Protein change: p.Ile156del; deletes isoleucine 156.
Molecular consequence: inframe deletion.
Genome position (GRCh38, 1-based): chr2:127,292,612-127,292,614, TAA deleted on the plus strand (TTA on the coding strand, the reverse complement: ERCC3 is on the minus strand); deleting any 3 consecutive bases within chr2:127,292,612-127,292,617 gives the same sequence; the position shown is the placement nearest the transcript's 3' end. VCF-style (leftmost placement, unchanged base first): chr2-127292611-TTAA-T. GRCh37 (hg19) VCF-style: chr2-128050187-TTAA-T.
Other names: c.272TTA[1], p.Ile92del (NM_001303416.2, NM_001303418.2); short protein forms I92del, I156del.
Identifiers: ClinVar variation 2015241 (VCV002015241.4), dbSNP rs2468067106, ClinGen allele CA2580611350.

ClinVar aggregate classification (germline): Uncertain significance (1 of 4 stars; one submission).

Submission:

Labcorp Genetics (formerly Invitae), Labcorp
Classification: Uncertain significance. Last evaluated: 2022-07-09. Review status: criteria provided, single submitter. Criteria: Invitae Variant Classification Sherloc (09022015). Collection method: clinical testing. Allele origin: germline.
Comment: This variant, c.467_469del, results in the deletion of 1 amino acid(s) of the ERCC3 protein (p.Ile156del), but otherwise preserves the integrity of the reading frame. This variant is not present in population databases (gnomAD no frequency). This variant has not been reported in the literature in individuals affected with ERCC3-related conditions. Experimental studies and prediction algorithms are not available or were not evaluated, and the functional significance of this variant is currently unknown. In summary, the available evidence is currently insufficient to determine the role of this variant in disease. Therefore, it has been classified as a Variant of Uncertain Significance.